The following is an entry in ClinVar:

NM_001101362.3(KBTBD13):c.2T>G (p.Met1Arg)

Gene: KBTBD13 (kelch repeat and BTB domain containing 13; plus strand). Cytogenetic location: 15q22.31.
Variant type: single nucleotide variant.
Coding change: c.2T>G on transcript NM_001101362.3 (MANE Select); coding-DNA position 2, T replaced by G.
Protein change: p.Met1Arg; changes the start codon (methionine 1).
Molecular consequence: missense variant, initiator codon variant.
Genome position (GRCh38, 1-based): chr15:65,076,817, T>G. VCF-style: chr15-65076817-T-G. GRCh37 (hg19) VCF-style: chr15-65369155-T-G.
Other names: short protein forms M1R.
Identifiers: ClinVar variation 464353 (VCV000464353.17), dbSNP rs374196960, ClinGen allele CA7613830.

ClinVar aggregate classification (germline): Conflicting classifications of pathogenicity. Review status: criteria provided, conflicting classifications (1 of 4 stars). 2 submissions from 2 submitters: Uncertain significance (1); Likely benign (1). Last evaluated 2026-01-22.

Conditions:
Nemaline myopathy 6 (NEM6). Also called: Nemaline myopathy 6, autosomal dominant. Identifiers: Orphanet 171439, MedGen C1836472, MONDO:0012237, OMIM 609273.

Allele frequency attached by ClinVar (database versions not stated): ESP Exome Variant Server 0.00009; gnomAD 0.00010 and 0.00011; TOPMed 0.00014.

Submissions (2):

Labcorp Genetics (formerly Invitae), Labcorp
Classification: Uncertain significance for Nemaline myopathy 6. Last evaluated: 2026-01-22. Review status: criteria provided, single submitter. Criteria: Invitae Variant Classification Sherloc (09022015). Collection method: clinical testing. Allele origin: germline.
Comment: This sequence change affects the initiator codon of the KBTBD13 mRNA. This change may impact translation initiation or efficiency. The next in-frame methionine is located at codon 40. This variant is present in population databases (rs374196960, gnomAD 0.03%). This variant has not been reported in the literature in individuals affected with KBTBD13-related conditions. ClinVar contains an entry for this variant (Variation ID: 464353). Experimental studies and prediction algorithms are not available or were not evaluated, and the functional significance of this variant is currently unknown. In summary, the available evidence is currently insufficient to determine the role of this variant in disease. Therefore, it has been classified as a Variant of Uncertain Significance.

GeneDx
Classification: Likely benign. Last evaluated: 2020-09-29. Review status: criteria provided, single submitter. Criteria: GeneDx Variant Classification Process June 2021. Collection method: clinical testing. Allele origin: germline. Affected: yes.
Comment: Has not been previously published as pathogenic or benign to our knowledge